The following is an entry in ClinVar:

NM_006393.3(NEBL):c.154A>G (p.Ile52Val)

Gene: NEBL (nebulette; minus strand). Cytogenetic location: 10p12.31.
Variant type: single nucleotide variant.
Coding change: c.154A>G on transcript NM_006393.3 (MANE Select); coding-DNA position 154, A replaced by G.
Protein change: p.Ile52Val; replaces isoleucine 52 with valine.
Molecular consequence: missense variant. On other transcripts: intron variant (9).
Genome position (GRCh38, 1-based): chr10:20,889,949, T>C on the plus strand (A>G on the coding strand, the complement: NEBL is on the minus strand). VCF-style: chr10-20889949-T-C. GRCh37 (hg19) VCF-style: chr10-21178878-T-C.
Other names: c.249+71723A>G (NM_001377326.1, NM_001377327.1, NM_001377328.1); c.357+71723A>G (NM_213569.2, NM_001173484.2, NM_001377322.1); c.300+71723A>G (NM_001377324.1); c.291+71723A>G (NM_001377325.1); c.309+71723A>G (NM_001377323.1); short protein forms I52V.
Identifiers: ClinVar variation 2625793 (VCV002625793.3), dbSNP rs762385273, ClinGen allele CA5433341.

ClinVar aggregate classification (germline): Uncertain significance. Review status: criteria provided, multiple submitters, no conflicts (2 of 4 stars). 2 submissions from 2 submitters: Uncertain significance (2). Last evaluated 2025-12-09.

Conditions:
Primary dilated cardiomyopathy (DCM). Also called: Dilated Cardiomyopathy. Identifiers: Orphanet 217604, MedGen C0007193, MeSH D002311, MONDO:0005021, HP:0001644. Inheritance: Various modes of inheritance.

Allele frequency attached by ClinVar (database versions not stated): TOPMed 0.00001; ExAC 0.00002; gnomAD 0.00003; 1000 Genomes Project 30x 0.00016.
gnomAD v4.1: 13 of 1,566,656 alleles (0.00083%); highest among the groups gnomAD compares: Non-Finnish European, 0.0011%; no homozygotes.

Submissions (2):

Labcorp Genetics (formerly Invitae), Labcorp
Classification: Uncertain significance for Primary dilated cardiomyopathy. Last evaluated: 2025-12-09. Review status: criteria provided, single submitter. Criteria: Invitae Variant Classification Sherloc (09022015). Collection method: clinical testing. Allele origin: germline.
Comment: This sequence change replaces isoleucine, which is neutral and non-polar, with valine, which is neutral and non-polar, at codon 52 of the NEBL protein (p.Ile52Val). This variant is present in population databases (rs762385273, gnomAD 0.003%). This variant has not been reported in the literature in individuals affected with NEBL-related conditions. ClinVar contains an entry for this variant (Variation ID: 2625793). An algorithm developed to predict the effect of missense changes on protein structure and function outputs the following: PolyPhen-2: "Benign". The valine amino acid residue is found in multiple mammalian species, which suggests that this missense change does not adversely affect protein function. In summary, the available evidence is currently insufficient to determine the role of this variant in disease. Therefore, it has been classified as a Variant of Uncertain Significance.

Ambry Genetics
Classification: Uncertain significance. Last evaluated: 2023-08-30. Review status: criteria provided, single submitter. Criteria: Ambry Variant Classification Scheme 2023. Collection method: clinical testing. Allele origin: germline.
Comment: The p.I52V variant (also known as c.154A>G) is located in coding exon 3 of the NEBL gene. The isoleucine at codon 52 is replaced by valine, an amino acid with highly similar properties. This change occurs in the first base pair of coding exon 3. This amino acid position is conserved. In addition, this alteration is predicted to be tolerated by in silico analysis. Since supporting evidence is limited at this time, the clinical significance of this alteration remains unclear.